The following is an entry in ClinVar:

ClinVar aggregate classification (germline): Uncertain significance. Review status: criteria provided, multiple submitters, no conflicts (2 of 4 stars). 2 submissions from 2 submitters: Uncertain significance (2). Last evaluated 2025-07-29.

Conditions:
Hereditary cancer-predisposing syndrome. Also called: Neoplastic Syndromes, Hereditary; Tumor predisposition; Hereditary neoplastic syndrome; Hereditary Cancer Syndrome. Identifiers: Orphanet 140162, MedGen C0027672, MeSH D009386, MONDO:0015356.
Familial adenomatous polyposis 1 (FAP1). Also called: POLYPOSIS, ADENOMATOUS INTESTINAL; FAMILIAL ADENOMATOUS POLYPOSIS 1, ATTENUATED. Identifiers: MedGen C2713442, MONDO:0021056, OMIM 175100. Disease mechanism: loss of function.

gnomAD v4.1: 1 of 1,613,976 alleles (0.000062%); no homozygotes.

Submissions (2):

Labcorp Genetics (formerly Invitae), Labcorp
Classification: Uncertain significance for Familial adenomatous polyposis 1. Last evaluated: 2025-07-29. Review status: criteria provided, single submitter. Criteria: Invitae Variant Classification Sherloc (09022015). Collection method: clinical testing. Allele origin: germline.
Comment: This sequence change replaces proline, which is neutral and non-polar, with arginine, which is basic and polar, at codon 2489 of the APC protein (p.Pro2489Arg). This variant is not present in population databases (gnomAD no frequency). This variant has not been reported in the literature in individuals affected with APC-related conditions. ClinVar contains an entry for this variant (Variation ID: 1368113). Invitae Evidence Modeling of protein sequence and biophysical properties (such as structural, functional, and spatial information, amino acid conservation, physicochemical variation, residue mobility, and thermodynamic stability) indicates that this missense variant is not expected to disrupt APC protein function with a negative predictive value of 95%. In summary, the available evidence is currently insufficient to determine the role of this variant in disease. Therefore, it has been classified as a Variant of Uncertain Significance.

Ambry Genetics
Classification: Uncertain significance for Hereditary cancer-predisposing syndrome. Last evaluated: 2019-11-26. Review status: criteria provided, single submitter. Criteria: Ambry Variant Classification Scheme 2023. Collection method: clinical testing. Allele origin: germline.
Comment: The p.P2489R variant (also known as c.7466C>G), located in coding exon 15 of the APC gene, results from a C to G substitution at nucleotide position 7466. The proline at codon 2489 is replaced by arginine, an amino acid with dissimilar properties. This amino acid position is highly conserved in available vertebrate species. In addition, in silico predictors for this gene do not accurately predict pathogenicity. Since supporting evidence is limited at this time, the clinical significance of this alteration remains unclear.

NM_000038.6(APC):c.7466C>G (p.Pro2489Arg)

Gene: APC (APC regulator of Wnt signaling pathway; plus strand). Cytogenetic location: 5q22.2.
Variant type: single nucleotide variant.
Coding change: c.7466C>G on transcript NM_000038.6 (MANE Select); coding-DNA position 7466, C replaced by G.
Protein change: p.Pro2489Arg; replaces proline 2489 with arginine.
Molecular consequence: missense variant.
Genome position (GRCh38, 1-based): chr5:112,843,060, C>G. VCF-style: chr5-112843060-C-G. GRCh37 (hg19) VCF-style: chr5-112178757-C-G.
Other names: c.7466C>G, p.Pro2489Arg (NM_001127510.3, NM_001354895.2); c.7412C>G, p.Pro2471Arg (NM_001127511.3); c.7520C>G, p.Pro2507Arg (NM_001354896.2); c.7496C>G, p.Pro2499Arg (NM_001354897.2); c.7391C>G, p.Pro2464Arg (NM_001354898.2); c.7382C>G, p.Pro2461Arg (NM_001354899.2); c.7343C>G, p.Pro2448Arg (NM_001354900.2); c.7289C>G, p.Pro2430Arg (NM_001354901.2); and 5 more; short protein forms P2363R, P2388R, P2448R, P2461R, P2464R, P2489R, P2499R, P2206R.
Identifiers: ClinVar variation 1368113 (VCV001368113.10), dbSNP rs2149987609, ClinGen allele CA16037575.